The following is an entry in ClinVar:

NM_016553.5(NUP62):c.680C>G (p.Thr227Ser)

Genes: IL4I1 (interleukin 4 induced 1; minus strand), NUP62 (nucleoporin 62; minus strand). Cytogenetic location: 19q13.33.
Variant type: single nucleotide variant.
Coding change: c.680C>G on transcript NM_016553.5 (MANE Select); coding-DNA position 680, C replaced by G.
Protein change: p.Thr227Ser; replaces threonine 227 with serine.
Molecular consequence: missense variant. On other transcripts: intron variant (3).
Genome position (GRCh38, 1-based): chr19:49,909,128, G>C on the plus strand (C>G on the coding strand, the complement: NUP62 is on the minus strand). VCF-style: chr19-49909128-G-C. GRCh37 (hg19) VCF-style: chr19-50412385-G-C.
Other names: c.-227-4807C>G (NM_001258017.2, NM_172374.3); c.-285-4807C>G (NM_001258018.2); c.680C>G, p.Thr227Ser (NM_001193357.2, NM_012346.5, NM_153718.4 and 1 more transcripts); short protein forms T227S.
Identifiers: ClinVar variation 3618541 (VCV003618541.2).

ClinVar aggregate classification (germline): Uncertain significance (1 of 4 stars; one submission).

gnomAD v4.1: 2 of 1,612,510 alleles (0.00012%); highest among the groups gnomAD compares: Admixed American, 0.0033%; no homozygotes.

Submission:

Labcorp Genetics (formerly Invitae), Labcorp
Classification: Uncertain significance. Last evaluated: 2024-04-29. Review status: criteria provided, single submitter. Criteria: Invitae Variant Classification Sherloc (09022015). Collection method: clinical testing. Allele origin: germline.
Comment: This sequence change replaces threonine, which is neutral and polar, with serine, which is neutral and polar, at codon 227 of the NUP62 protein (p.Thr227Ser). This variant is present in population databases (no rsID available, gnomAD 0.003%). This variant has not been reported in the literature in individuals affected with NUP62-related conditions. An algorithm developed to predict the effect of missense changes on protein structure and function (PolyPhen-2) suggests that this variant is likely to be tolerated. In summary, the available evidence is currently insufficient to determine the role of this variant in disease. Therefore, it has been classified as a Variant of Uncertain Significance.